The following is an entry in ClinVar:

NM_005566.4(LDHA):c.593-1del

Gene: LDHA (lactate dehydrogenase A; plus strand). Cytogenetic location: 11p15.1.
Variant type: Deletion.
Coding change: c.593-1del on transcript NM_005566.4 (MANE Select); the canonical splice acceptor site of the intron before coding-DNA position 593, one base deleted (G; older notation c.593-1delG).
Molecular consequence: splice acceptor variant.
Genome position (GRCh38, 1-based): chr11:18,403,693, G deleted. VCF-style (leftmost placement, unchanged base first): chr11-18403692-AG-A. GRCh37 (hg19) VCF-style: chr11-18425239-AG-A.
Other names: c.593-1del (NM_001165416.2, NM_001165415.2); c.419-1del (NM_001135239.2); c.680-1del (NM_001165414.2).
Identifiers: ClinVar variation 4773910 (VCV004773910.1).

ClinVar aggregate classification (germline): Likely pathogenic (1 of 4 stars; one submission).

Conditions:
Glycogen storage disease due to lactate dehydrogenase M-subunit deficiency (GSD11). Also called: Glycogen storage disease XI; GSD XI; LACTATE DEHYDROGENASE A DEFICIENCY. Identifiers: Orphanet 284426, MedGen C2931743, MONDO:0013047, OMIM 612933.

Submission:

Labcorp Genetics (formerly Invitae), Labcorp
Classification: Likely pathogenic for Glycogen storage disease due to lactate dehydrogenase M-subunit deficiency. Last evaluated: 2025-11-25. Review status: criteria provided, single submitter. Criteria: Invitae Variant Classification Sherloc (09022015). Collection method: clinical testing. Allele origin: germline.
Comment: This sequence change affects a splice site in intron 5 of the LDHA gene. It is expected to disrupt RNA splicing. Variants that disrupt the donor or acceptor splice site typically lead to a loss of protein function (PMID: 16199547), and loss-of-function variants in LDHA are known to be pathogenic (PMID: 1959923). This variant is present in population databases (rs753173739, gnomAD 0.01%). This variant has not been reported in the literature in individuals affected with LDHA-related conditions. Algorithms developed to predict the effect of sequence changes on RNA splicing suggest that this variant may disrupt the consensus splice site. In summary, the currently available evidence indicates that the variant is pathogenic, but additional data are needed to prove that conclusively. Therefore, this variant has been classified as Likely Pathogenic.

Literature cited by the submitters: PubMed 16199547; PubMed 1959923.